The following is an entry in ClinVar:

NM_000176.3(NR3C1):c.307G>A (p.Gly103Arg)

Gene: NR3C1 (nuclear receptor subfamily 3 group C member 1; minus strand). Cytogenetic location: 5q31.3.
Variant type: single nucleotide variant.
Coding change: c.307G>A on transcript NM_000176.3 (MANE Select); coding-DNA position 307, G replaced by A.
Protein change: p.Gly103Arg; replaces glycine 103 with arginine.
Molecular consequence: missense variant. On other transcripts: 5 prime UTR variant (3).
Genome position (GRCh38, 1-based): chr5:143,400,533, C>T on the plus strand (G>A on the coding strand, the complement: NR3C1 is on the minus strand). VCF-style: chr5-143400533-C-T. GRCh37 (hg19) VCF-style: chr5-142780098-C-T.
Other names: c.307G>A, p.Gly103Arg (NM_001018074.1, NM_001018075.1, NM_001018076.2 and 10 more transcripts); c.229G>A, p.Gly77Arg (NM_001204258.2); c.52G>A, p.Gly18Arg (NM_001204259.2); c.40G>A, p.Gly14Arg (NM_001204260.2); c.16G>A, p.Gly6Arg (NM_001204261.2); c.-639G>A (NM_001204262.2); c.-684G>A (NM_001204263.2); c.-699G>A (NM_001204264.2); short protein forms G103R, G77R, G14R, G18R, G6R.
Identifiers: ClinVar variation 1485485 (VCV001485485.6), dbSNP rs2151941570, ClinGen allele CA361866858.

ClinVar aggregate classification (germline): Uncertain significance (1 of 4 stars; one submission).

Submission:

Labcorp Genetics (formerly Invitae), Labcorp
Classification: Uncertain significance. Last evaluated: 2022-11-01. Review status: criteria provided, single submitter. Criteria: Invitae Variant Classification Sherloc (09022015). Collection method: clinical testing. Allele origin: germline.
Comment: This sequence change replaces glycine, which is neutral and non-polar, with arginine, which is basic and polar, at codon 103 of the NR3C1 protein (p.Gly103Arg). This variant is not present in population databases (gnomAD no frequency). This variant has not been reported in the literature in individuals affected with NR3C1-related conditions. ClinVar contains an entry for this variant (Variation ID: 1485485). Algorithms developed to predict the effect of missense changes on protein structure and function are either unavailable or do not agree on the potential impact of this missense change (SIFT: "Tolerated"; PolyPhen-2: "Probably Damaging"; Align-GVGD: "Class C0"). In summary, the available evidence is currently insufficient to determine the role of this variant in disease. Therefore, it has been classified as a Variant of Uncertain Significance.